The following is an entry in ClinVar:

ClinVar aggregate classification (germline): Pathogenic (1 of 4 stars; one submission).

Conditions:
Retinoblastoma (RB1). Also called: RETINOBLASTOMA, SOMATIC. Identifiers: Orphanet 790, MedGen C0035335, MeSH D012175, MONDO:0008380, OMIM 180200, HP:0009919. Disease mechanism: loss of function. Inheritance: Both sporadic and heritable forms are tested..

Submission:

Genetic Diagnostic Laboratory, University of Pennsylvania School of Medicine
Classification: Pathogenic for Retinoblastoma. Last evaluated: 2024-05-20. Review status: criteria provided, single submitter. Criteria: ACMG Guidelines, 2015. Collection method: clinical testing. Allele origin: germline. Affected: yes. Observed: 1 variant allele.
Comment: Case and Pedigree Information: BILATERAL CASES:1, UNILATERAL CASES:0, TOTAL CASES:1, PEDIGREES:1. ACMG Codes Applied:PVS1, PM2

NM_000321.3(RB1):c.2122_2123dup (p.Met708fs)

Gene: RB1 (RB transcriptional corepressor 1; plus strand). Cytogenetic location: 13q14.2.
Variant type: Duplication.
Coding change: c.2122_2123dup on transcript NM_000321.3 (MANE Select); coding-DNA positions 2122 to 2123, 2 bases duplicated (AT; older notation c.2122_2123dupAT).
Protein change: p.Met708fs; shifts the reading frame from methionine 708.
Molecular consequence: frameshift variant.
Genome position (GRCh38, 1-based): chr13:48,463,746-48,463,747, AT duplicated. VCF-style (leftmost placement, unchanged base first): chr13-48463745-C-CAT. GRCh37 (hg19) VCF-style: chr13-49037881-C-CAT.
Other names: c.2122_2123dup, p.Met708fs (NM_001407165.1); short protein forms M708fs.
Identifiers: ClinVar variation 3237068 (VCV003237068.1), dbSNP rs2542373551.